The following is an entry in ClinVar:

ClinVar aggregate classification (germline): Uncertain significance (1 of 4 stars; one submission).

Conditions:
Dystonic disorder. Also called: Dystonia. Identifiers: MedGen C0013421, MONDO:0003441, HP:0001332.

Allele frequency attached by ClinVar (database versions not stated): TOPMed 0.00002; ExAC 0.00003; gnomAD 0.00003; 1000 Genomes Project 30x 0.00016; 1000 Genomes Project 0.00020.
gnomAD v4.1: 19 of 1,524,632 alleles (0.0012%); highest among the groups gnomAD compares: African/African-American, 0.0069%; no homozygotes.

Submission:

Labcorp Genetics (formerly Invitae), Labcorp
Classification: Uncertain significance for Dystonic disorder. Last evaluated: 2024-08-27. Review status: criteria provided, single submitter. Criteria: Invitae Variant Classification Sherloc (09022015). Collection method: clinical testing. Allele origin: germline.
Comment: This sequence change replaces arginine, which is basic and polar, with tryptophan, which is neutral and slightly polar, at codon 186 of the CIZ1 protein (p.Arg186Trp). This variant is present in population databases (rs141376660, gnomAD 0.01%). This variant has not been reported in the literature in individuals affected with CIZ1-related conditions. ClinVar contains an entry for this variant (Variation ID: 2418590). An algorithm developed to predict the effect of missense changes on protein structure and function (PolyPhen-2) suggests that this variant is likely to be disruptive. In summary, the available evidence is currently insufficient to determine the role of this variant in disease. Therefore, it has been classified as a Variant of Uncertain Significance.

NM_001131016.2(CIZ1):c.556C>T (p.Arg186Trp)

Gene: CIZ1 (CDKN1A interacting zinc finger protein 1; minus strand). Cytogenetic location: 9q34.11.
Variant type: single nucleotide variant.
Coding change: c.556C>T on transcript NM_001131016.2 (MANE Select); coding-DNA position 556, C replaced by T.
Protein change: p.Arg186Trp; replaces arginine 186 with tryptophan.
Molecular consequence: missense variant.
Genome position (GRCh38, 1-based): chr9:128,185,579, G>A on the plus strand (C>T on the coding strand, the complement: CIZ1 is on the minus strand). VCF-style: chr9-128185579-G-A. GRCh37 (hg19) VCF-style: chr9-130947858-G-A.
Other names: c.556C>T, p.Arg186Trp (NM_001131015.2, NM_001131017.2, NM_012127.3); c.484C>T, p.Arg162Trp (NM_001131018.2); c.646C>T, p.Arg216Trp (NM_001257975.2); c.253C>T, p.Arg85Trp (NM_001257976.2); short protein forms R162W, R186W, R216W, R85W.
Identifiers: ClinVar variation 2418590 (VCV002418590.6), dbSNP rs141376660, ClinGen allele CA5257559.
Genomic context (GRCh38, chr9:128,185,579, plus strand): 5'-CCCACTCCCATCCCCACCTACCACTCACCTTTCGATTGGGGGTGGTAGAGGAGGAGGTCC[G>A]GGCCTGTTTCTGGGGGTTCCGTCCTGAAAGGTTGAACTGGGAAGGGTTCATGGGGACCCC-3'
Protein context (NP_001124488.1, residues 176-196): LSGRNPQKQA[Arg186Trp]TSSSTTPNRK